The following is an entry in ClinVar:

ClinVar aggregate classification (germline): Uncertain significance (1 of 4 stars; one submission).

Conditions:
Hereditary hemochromatosis (HFE). Identifiers: MedGen C0392514, MONDO:0006507. Disease mechanism: loss of function.

Submission:

Labcorp Genetics (formerly Invitae), Labcorp
Classification: Uncertain significance for Hereditary hemochromatosis. Last evaluated: 2024-08-24. Review status: criteria provided, single submitter. Criteria: Invitae Variant Classification Sherloc (09022015). Collection method: clinical testing. Allele origin: germline.
Comment: This sequence change replaces leucine, which is neutral and non-polar, with valine, which is neutral and non-polar, at codon 741 of the TFR2 protein (p.Leu741Val). This variant is not present in population databases (gnomAD no frequency). This variant has not been reported in the literature in individuals affected with TFR2-related conditions. Invitae Evidence Modeling of protein sequence and biophysical properties (such as structural, functional, and spatial information, amino acid conservation, physicochemical variation, residue mobility, and thermodynamic stability) indicates that this missense variant is not expected to disrupt TFR2 protein function with a negative predictive value of 80%. In summary, the available evidence is currently insufficient to determine the role of this variant in disease. Therefore, it has been classified as a Variant of Uncertain Significance.

NM_003227.4(TFR2):c.2221C>G (p.Leu741Val)

Gene: TFR2 (transferrin receptor 2; minus strand). Cytogenetic location: 7q22.1.
Variant type: single nucleotide variant.
Coding change: c.2221C>G on transcript NM_003227.4 (MANE Select); coding-DNA position 2221, C replaced by G.
Protein change: p.Leu741Val; replaces leucine 741 with valine.
Molecular consequence: missense variant.
Genome position (GRCh38, 1-based): chr7:100,621,042, G>C on the plus strand (C>G on the coding strand, the complement: TFR2 is on the minus strand). VCF-style: chr7-100621042-G-C. GRCh37 (hg19) VCF-style: chr7-100218665-G-C.
Other names: c.1708C>G, p.Leu570Val (NM_001206855.3); short protein forms L570V, L741V.
Identifiers: ClinVar variation 3658482 (VCV003658482.2).